The following is an entry in ClinVar:

NM_139057.4(ADAMTS17):c.*2007G>A

Gene: ADAMTS17 (ADAM metallopeptidase with thrombospondin type 1 motif 17; minus strand). Cytogenetic location: 15q26.3.
Variant type: single nucleotide variant.
Coding change: c.*2007G>A on transcript NM_139057.4 (MANE Select); 2007 bases downstream of the stop codon, G replaced by A.
Molecular consequence: 3 prime UTR variant.
Genome position (GRCh38, 1-based): chr15:99,972,395, C>T on the plus strand (G>A on the coding strand, the complement: ADAMTS17 is on the minus strand). VCF-style: chr15-99972395-C-T. GRCh37 (hg19) VCF-style: chr15-100512600-C-T.
Identifiers: ClinVar variation 315165 (VCV000315165.5), dbSNP rs8041901, ClinGen allele CA10647632.
Genomic context (GRCh38, chr15:99,972,395, plus strand): 5'-ATAACCCAATCAATCCTTTTCATTCTGAGGGTGTGGGGCCCTTGCCAGGGTGACAGTGGG[C>T]ATATCTGGAGGCCCCGGGGCCCATGCAGGAGACCAAGCTAAGGCTTCCTTAGTGAGCTTG-3'

ClinVar aggregate classification (germline): Benign (1 of 4 stars; one submission).

Conditions:
Weill-Marchesani 4 syndrome, recessive. Also called: Weill-Marchesani syndrome 4. Identifiers: Orphanet 363992, MedGen C2750787, MONDO:0013176, OMIM 613195.

Allele frequency attached by ClinVar (database versions not stated): gnomAD 0.03752 and 0.04026; 1000 Genomes Project 0.03954; 1000 Genomes Project 30x 0.04216; TOPMed 0.04271.

Submission:

Illumina Laboratory Services, Illumina
Classification: Benign for Weill-Marchesani 4 syndrome, recessive. Last evaluated: 2018-01-13. Review status: criteria provided, single submitter. Criteria: ICSL Variant Classification Criteria 13 December 2019. Collection method: clinical testing. Allele origin: germline.
Comment: This variant was observed in the ICSL laboratory as part of a predisposition screen in an ostensibly healthy population. It had not been previously curated by ICSL or reported in the Human Gene Mutation Database (HGMD: prior to June 1st, 2018), and was therefore a candidate for classification through an automated scoring system. Utilizing variant allele frequency, disease prevalence and penetrance estimates, and inheritance mode, an automated score was calculated to assess if this variant is too frequent to cause the disease. Based on the score and internal cut-off values, a variant classified as benign is not then subjected to further curation. The score for this variant resulted in a classification of benign for this disease.